The following is an entry in ClinVar:

NM_002016.2(FLG):c.565G>A (p.Glu189Lys)

Genes: FLG (filaggrin; minus strand), CCDST (cervical cancer associated DHX9 suppressive transcript; plus strand). Cytogenetic location: 1q21.3.
Variant type: single nucleotide variant.
Coding change: c.565G>A on transcript NM_002016.2 (MANE Select); coding-DNA position 565, G replaced by A.
Protein change: p.Glu189Lys; replaces glutamic acid 189 with lysine.
Molecular consequence: missense variant.
Genome position (GRCh38, 1-based): chr1:152,314,321, C>T on the plus strand (G>A on the coding strand, the complement: FLG is on the minus strand). VCF-style: chr1-152314321-C-T. GRCh37 (hg19) VCF-style: chr1-152286797-C-T.
Other names: short protein forms E189K.
Identifiers: ClinVar variation 1683583 (VCV001683583.2), dbSNP rs1228611224, ClinGen allele CA342106448.

ClinVar aggregate classification (germline): Uncertain significance (1 of 4 stars; one submission).

Conditions:
Ichthyosis vulgaris. Also called: ICHTHYOSIS SIMPLEX; Dominant ichthyosis vulgaris. Identifiers: MedGen C0079584, MONDO:0024304, OMIM 146700.

Submission:

Laboratorio de Genetica e Diagnostico Molecular, Hospital Israelita Albert Einstein
Classification: Uncertain significance for Ichthyosis vulgaris. Last evaluated: 2021-02-25. Review status: criteria provided, single submitter. Criteria: ACMG Guidelines, 2015. Collection method: clinical testing. Allele origin: germline. Affected: yes.
Comment: ACMG classification criteria: PM2, BP4